The following is an entry in ClinVar:

NM_001709.5(BDNF):c.93C>T (p.Gly31=)

Genes: BDNF (brain derived neurotrophic factor; minus strand), BDNF-AS (BDNF antisense RNA; plus strand). Cytogenetic location: 11p14.1.
Variant type: single nucleotide variant.
Coding change: c.93C>T on transcript NM_001709.5 (MANE Select); coding-DNA position 93, C replaced by T.
Protein change: p.Gly31=; no amino-acid change (glycine 31 retained).
Molecular consequence: synonymous variant.
Genome position (GRCh38, 1-based): chr11:27,658,472, G>A on the plus strand (C>T on the coding strand, the complement: BDNF is on the minus strand). VCF-style: chr11-27658472-G-A. GRCh37 (hg19) VCF-style: chr11-27680019-G-A.
Other names: c.93C>T, p.Gly31= (NM_001143805.1, NM_001143806.1, NM_001143807.2 and 9 more transcripts); c.180C>T, p.Gly60= (NM_001143809.2); c.339C>T, p.Gly113= (NM_001143810.2); c.117C>T, p.Gly39= (NM_170731.5); c.138C>T, p.Gly46= (NM_170734.4).
Identifiers: ClinVar variation 4991862 (VCV004991862.1).
Genomic context (GRCh38, chr11:27,658,472, plus strand): 5'-TGCCTTGGGCCCATTCACGCTCTCCAGAGTCCCATGGGTCCGCACACCTGGGTAGGCCAA[G>A]CCACCTTGTCCTCGGATGTTTGCTTCTTTCATGGGGGCAGCCTTCATGCAACCAAAGTAT-3'
Protein context (NP_001700.2, residues 21-41): MKEANIRGQG[Gly31=]LAYPGVRTHG

ClinVar aggregate classification (germline): Likely benign (1 of 4 stars; one submission).

Conditions:
BDNF-related disorder. Also called: BDNF-related condition.

Submission:

PreventionGenetics, part of Exact Sciences
Classification: Likely benign for BDNF-related condition. Last evaluated: 2026-06-22. Review status: criteria provided, single submitter. Criteria: ACMG Guidelines, 2015. Collection method: clinical testing. Allele origin: germline.
Comment: This variant is classified as likely benign based on ACMG/AMP sequence variant interpretation guidelines (Richards et al. 2015 PMID: 25741868, with internal and published modifications).